The following is an entry in ClinVar:

NM_152703.5(SAMD9L):c.3649T>C (p.Phe1217Leu)

Gene: SAMD9L (sterile alpha motif domain containing 9 like; minus strand). Cytogenetic location: 7q21.2.
Variant type: single nucleotide variant.
Coding change: c.3649T>C on transcript NM_152703.5 (MANE Select); coding-DNA position 3649, T replaced by C.
Protein change: p.Phe1217Leu; replaces phenylalanine 1217 with leucine.
Molecular consequence: missense variant.
Genome position (GRCh38, 1-based): chr7:93,132,323, A>G on the plus strand (T>C on the coding strand, the complement: SAMD9L is on the minus strand). VCF-style: chr7-93132323-A-G. GRCh37 (hg19) VCF-style: chr7-92761636-A-G.
Other names: c.3649T>C, p.Phe1217Leu (NM_001303496.3, NM_001303497.3, NM_001303498.3 and 5 more transcripts); c.3649T>C (NM_152703.2); short protein forms F1217L.
Identifiers: ClinVar variation 2786102 (VCV002786102.5), dbSNP rs760966930, ClinGen allele CA4343424.

ClinVar aggregate classification (germline): Conflicting classifications of pathogenicity. Review status: criteria provided, conflicting classifications (1 of 4 stars). 3 submissions from 3 submitters: Uncertain significance (1); Likely benign (2). Last evaluated 2025-02-17.

Conditions:
Inborn genetic diseases. Identifiers: MedGen C0950123, MeSH D030342.

Allele frequency attached by ClinVar (database versions not stated): gnomAD exomes 0.00002; gnomAD 0.00003; ExAC 0.00004.
gnomAD v4.1: 40 of 1,613,682 alleles (0.0025%); highest among the groups gnomAD compares: Non-Finnish European, 0.00025%; no homozygotes.

Submissions (3):

Ambry Genetics
Classification: Likely benign for Inborn genetic diseases. Last evaluated: 2025-02-17. Review status: criteria provided, single submitter. Criteria: Ambry Variant Classification Scheme 2023. Collection method: clinical testing. Allele origin: germline.

Blueprint Genetics
Classification: Likely benign. Last evaluated: 2024-08-28. Review status: criteria provided, single submitter. Criteria: ACMG Guidelines, 2015. Collection method: clinical testing. Allele origin: germline.

Labcorp Genetics (formerly Invitae), Labcorp
Classification: Uncertain significance. Last evaluated: 2023-07-07. Review status: criteria provided, single submitter. Criteria: Invitae Variant Classification Sherloc (09022015). Collection method: clinical testing. Allele origin: germline.
Comment: This variant is present in population databases (rs760966930, gnomAD 0.03%). This sequence change replaces phenylalanine, which is neutral and non-polar, with leucine, which is neutral and non-polar, at codon 1217 of the SAMD9L protein (p.Phe1217Leu). This variant has not been reported in the literature in individuals affected with SAMD9L-related conditions. Advanced modeling of protein sequence and biophysical properties (such as structural, functional, and spatial information, amino acid conservation, physicochemical variation, residue mobility, and thermodynamic stability) performed at Invitae indicates that this missense variant is not expected to disrupt SAMD9L protein function. In summary, the available evidence is currently insufficient to determine the role of this variant in disease. Therefore, it has been classified as a Variant of Uncertain Significance.